The following is an entry in ClinVar:

ClinVar aggregate classification (germline): Pathogenic (1 of 4 stars; one submission).

Conditions:
RPE65-related recessive retinopathy. Also called: Recessive RPE65 retinopathy. Identifiers: MedGen CN305526, MONDO:0100368.

Submission:

Myriad Genetics, Inc.
Classification: Pathogenic for RPE65-related recessive retinopathy. Last evaluated: 2024-05-14. Review status: criteria provided, single submitter. Criteria: Myriad Autosomal Dominant, Autosomal Recessive and X-Linked Classification Criteria (2023). Collection method: clinical testing. Allele origin: unknown.
Comment: NM_000329.2(RPE65):c.711del1ins8(S238Nfs*7) is expected to be pathogenic in the context of inherited retinal dystrophy, RPE65-related. This variant is predicted to lead to an abnormal or absent protein product due to the creation of a premature termination codon in RPE65, a gene where loss-of-function variants are known to be pathogenic. Please note: this variant was assessed in the context of healthy population screening.

NM_000329.3(RPE65):c.711delinsTAACACTT (p.Ser238fs)

Gene: RPE65 (retinoid isomerohydrolase RPE65; minus strand). Cytogenetic location: 1p31.3.
Variant type: Indel.
Coding change: c.711delinsTAACACTT on transcript NM_000329.3 (MANE Select); coding-DNA position 711, A replaced by TAACACTT.
Protein change: p.Ser238fs; shifts the reading frame from serine 238.
Molecular consequence: frameshift variant.
Genome position (GRCh38, 1-based): chr1:68,439,575, T replaced by AAGTGTTA on the plus strand (A replaced by TAACACTT on the coding strand, the reverse complement: RPE65 is on the minus strand). VCF-style: chr1-68439575-T-AAGTGTTA. GRCh37 (hg19) VCF-style: chr1-68905258-T-AAGTGTTA.
Other names: c.603delinsTAACACTT, p.Ser202fs (NM_001406853.1); c.435delinsTAACACTT, p.Ser146fs (NM_001406856.1, NM_001406857.1); c.711delinsTAACACTT, p.Ser238fs (NM_001406859.1); short protein forms S146fs, S202fs, S238fs.
Identifiers: ClinVar variation 5010565 (VCV005010565.1).